The following is an entry in ClinVar:

ClinVar aggregate classification (germline): Pathogenic. Review status: criteria provided, multiple submitters, no conflicts (2 of 4 stars). 4 submissions from 4 submitters: Pathogenic (3). 1 of the submissions does not count toward it. Last evaluated 2025-05-12.

Conditions:
Sphingomyelin/cholesterol lipidosis. Also called: Niemann-Pick disease. Identifiers: MedGen C0028064, MONDO:0001982.
Niemann-Pick disease, type B. Also called: Chronic Visceral ASMD (Niemann-Pick Disease Type B; NPD-B). Identifiers: Orphanet 77293, MedGen C0268243, MONDO:0011871, OMIM 607616. Disease mechanism: loss of function.
Niemann-Pick disease, type A. Also called: SPHINGOMYELIN LIPIDOSIS; SPHINGOMYELINASE DEFICIENCY; Infantile Neurovisceral ASMD (Niemann-Pick Disease Type A; NPD-A). Identifiers: Orphanet 77292, MedGen C0268242, MONDO:0009756, OMIM 257200. Disease mechanism: loss of function.

Allele frequency attached by ClinVar (database versions not stated): ExAC 0.00001; gnomAD exomes below 0.00001.
gnomAD v4.1: 1 of 1,613,886 alleles (0.000062%); highest among the groups gnomAD compares: South Asian, 0.0011%; no homozygotes.

Submissions (4):

Natera, Inc.
Classification: Pathogenic for Niemann-Pick Disease, Types A/B. Last evaluated: 2025-05-12. Review status: criteria provided, single submitter. Criteria: Natera Variant Classification Schema (03/2026). Collection method: clinical testing. Allele origin: germline.
Comment: The c.788T>A variant in SMPD1 is a nonsense variant predicted to introduce a stop codon at amino acid 263. This variant is expected to result in nonsense mediated decay, truncation, or a dysfunctional protein product. This variant is rare in the general population with a frequency below the threshold expected for the associated phenotype(s). This variant has been observed in one or more individuals affected with the associated recessive disease, as either homozygous or compound heterozygous with a second variant (PMID: 27338287, 1618760). Given the available evidence, this variant is classified as Pathogenic.

Labcorp Genetics (formerly Invitae), Labcorp
Classification: Pathogenic for Niemann-Pick disease, type B; Niemann-Pick disease, type A. Last evaluated: 2023-09-19. Review status: criteria provided, single submitter. Criteria: Invitae Variant Classification Sherloc (09022015). Collection method: clinical testing. Allele origin: germline.
Comment: For these reasons, this variant has been classified as Pathogenic. ClinVar contains an entry for this variant (Variation ID: 2984). This variant is also known as L261X. This premature translational stop signal has been observed in individuals with Niemann-Pick disease (PMID: 1618760, 27338287). This variant is present in population databases (rs120074120, gnomAD 0.003%). This sequence change creates a premature translational stop signal (p.Leu263*) in the SMPD1 gene. It is expected to result in an absent or disrupted protein product. Loss-of-function variants in SMPD1 are known to be pathogenic (PMID: 12369017, 15221801).

Broad Center for Mendelian Genomics, Broad Institute of MIT and Harvard
Classification: Pathogenic for Sphingomyelin/cholesterol lipidosis. Last evaluated: 2020-01-22. Review status: criteria provided, single submitter. Criteria: ACMG Guidelines, 2015. Collection method: curation. Allele origin: germline. Inheritance: Autosomal recessive inheritance.
Comment: Although this variant has been seen in the general population, its frequency is low enough to be consistent with a recessive carrier frequency. This variant has also been reported in ClinVar (VariaitonID: 2984) as Pathogenic by OMIM. In vitro functional studies provide some evidence that the p.Leu263Ter variant may impact protein activity (PMID: 1618760). However, these types of assays may not accurately represent biological function. This nonsense variant leads to a premature termination codon at position 263, which is predicted to lead to a truncated or absent protein. Loss of function of the SMPD1 gene is an established disease mechanism in autosomal recessive Niemann-Pick disease. The presence of this variant in an affected homozygote increases the likelihood that the p.Leu263Ter variant is pathogenic (PMID: 1618760). The phenotype of an individual homozygous for this variant is highly specific for Niemann-Pick disease based on acid sphingomyelinase activity being <10% of normal (PMID: 1618760). In summary, this variant meets criteria to be classified as pathogenic for Niemann-Pick disease in an autosomal recessive manner based on the prediction that it causes loss of function, in vitro functional studies, its presence in a homozygous individual, and the phenotype of a patient with the variant being highly specific for disease. ACMG/AMP Criteria applied: PVS1, PS3, PM2, PM3_supporting, PP4 (Richards 2015).

OMIM
Classification: Pathogenic for NIEMANN-PICK DISEASE, TYPE A. Last evaluated: 1992-01-01. Review status: no assertion criteria provided. Collection method: literature only. Allele origin: germline. Not counted in ClinVar's aggregate classification.

Literature cited by the submitters: PubMed 27338287 (cited by Natera, Inc. and Labcorp Genetics (formerly Invitae), Labcorp); PubMed 1618760 (cited by 3 submitters); PubMed 12369017 (cited by Labcorp Genetics (formerly Invitae), Labcorp); PubMed 15221801 (cited by Labcorp Genetics (formerly Invitae), Labcorp); PubMed 1301192 (cited by OMIM).

NM_000543.5(SMPD1):c.788T>A (p.Leu263Ter)

Gene: SMPD1 (sphingomyelin phosphodiesterase 1; plus strand). Cytogenetic location: 11p15.4.
Variant type: single nucleotide variant.
Coding change: c.788T>A on transcript NM_000543.5 (MANE Select); coding-DNA position 788, T replaced by A.
Protein change: p.Leu263Ter; replaces leucine 263 with a stop codon.
Molecular consequence: nonsense. On other transcripts: 5 prime UTR variant (1), non-coding transcript variant (1).
Genome position (GRCh38, 1-based): chr11:6,391,853, T>A. VCF-style: chr11-6391853-T-A. GRCh37 (hg19) VCF-style: chr11-6413083-T-A.
Other names: L261*; c.785T>A, p.Leu262Ter (NM_001007593.3); c.788T>A, p.Leu263Ter (NM_001318087.2, NM_001365135.2); c.-174T>A (NM_001318088.2); c.788T>A (NM_000543.4); short protein forms L263*, L262*.
Identifiers: ClinVar variation 2984 (VCV000002984.14), dbSNP rs120074120, ClinGen allele CA252513.